The following is an entry in ClinVar:

NM_001379500.1(COL18A1):c.107-11626C>T

Gene: COL18A1 (collagen type XVIII alpha 1 chain; plus strand). Cytogenetic location: 21q22.3.
Variant type: single nucleotide variant.
Coding change: c.107-11626C>T on transcript NM_001379500.1 (MANE Select); 11626 bases into the intron before coding-DNA position 107, C replaced by T.
Molecular consequence: intron variant. On other transcripts: synonymous variant (1).
Genome position (GRCh38, 1-based): chr21:45,456,616, C>T. VCF-style: chr21-45456616-C-T. GRCh37 (hg19) VCF-style: chr21-46876530-C-T.
Other names: c.1086C>T, p.Ser362= (NM_130444.3); c.1086C>T (NM_130444.2); c.646+440C>T (NM_030582.4).
Identifiers: ClinVar variation 4946579 (VCV004946579.2).
Genomic context (GRCh38, chr21:45,456,616, plus strand): 5'-AGTCTGCGGCCACCTGGGCATCTCACGCTTCTGGCTGCCCAACCACCTCCACCACGAGAG[C>T]GGCGAGCAGGTGCGGGCCGGGGCACGGGCGTGGGGGGGCCTGCTGCAGACGCACTGCCAC-3'

ClinVar aggregate classification (germline): Likely benign. Review status: criteria provided, multiple submitters, no conflicts (2 of 4 stars). 2 submissions from 2 submitters: Likely benign (2). Last evaluated 2025-11-06.

Conditions:
COL18A1-related disorder. Also called: COL18A1-related condition; COL18A1-related disorders.

gnomAD v4.1: 187 of 1,539,940 alleles (0.012%); highest among the groups gnomAD compares: Middle Eastern, 0.17%; 1 homozygote.

Submissions (2):

PreventionGenetics, part of Exact Sciences
Classification: Likely benign for COL18A1-related condition. Last evaluated: 2025-11-06. Review status: criteria provided, single submitter. Criteria: ACMG Guidelines, 2015. Collection method: clinical testing. Allele origin: germline.
Comment: This variant is classified as likely benign based on ACMG/AMP sequence variant interpretation guidelines (Richards et al. 2015 PMID: 25741868, with internal and published modifications).

Blueprint Genetics
Classification: Likely benign. Last evaluated: 2024-11-11. Review status: criteria provided, single submitter. Criteria: ACMG Guidelines, 2015. Collection method: clinical testing. Allele origin: germline.